The following is an entry in ClinVar:

NC_000009.11:g.(?_33135167)_(33167187_?)dup

Gene: B4GALT1 (beta-1,4-galactosyltransferase 1; minus strand). Cytogenetic location: 9p21.1.
Variant type: Duplication.
Identifiers: ClinVar variation 1014947 (VCV001014947.6).

ClinVar aggregate classification (germline): Uncertain significance (1 of 4 stars; one submission).

Submission:

Labcorp Genetics (formerly Invitae), Labcorp
Classification: Uncertain significance. Last evaluated: 2022-06-13. Review status: criteria provided, single submitter. Criteria: Invitae Variant Classification Sherloc (09022015). Collection method: clinical testing. Allele origin: germline.
Comment: In summary, the available evidence is currently insufficient to determine the role of this variant in disease. Therefore, it has been classified as a Variant of Uncertain Significance. Experimental studies and prediction algorithms are not available or were not evaluated, and the functional significance of this variant is currently unknown. This variant has not been reported in the literature in individuals affected with B4GALT1-related conditions. This variant results in a copy number gain of the genomic region encompassing exon(s) 1-2 of the B4GALT1 gene. This region includes the initiator codon of the gene. This copy number gain extends beyond the assayed region for this gene and therefore may encompass additional genes. As the precise location of this event is unknown, it may be in tandem or it may be located elsewhere in the genome.